The following is an entry in ClinVar:

NM_001377142.1(PLCB4):c.*209A>C

Gene: PLCB4 (phospholipase C beta 4; plus strand). Cytogenetic location: 20p12.2.
Variant type: single nucleotide variant.
Coding change: c.*209A>C on transcript NM_001377142.1 (MANE Select); 209 bases downstream of the stop codon, A replaced by C.
Molecular consequence: 3 prime UTR variant.
Genome position (GRCh38, 1-based): chr20:9,479,218, A>C. VCF-style: chr20-9479218-A-C. GRCh37 (hg19) VCF-style: chr20-9459865-A-C.
Other names: c.*209A>C (NM_000933.4, NM_001377134.2, NM_001377135.1 and 1 more transcripts); c.*229A>C (NM_001172646.2, NM_001377136.1, NM_182797.3).
Identifiers: ClinVar variation 339598 (VCV000339598.6), dbSNP rs576484180, ClinGen allele CA10644482.

ClinVar aggregate classification (germline): Benign. Review status: criteria provided, multiple submitters, no conflicts (2 of 4 stars). 2 submissions from 2 submitters: Benign (2). Last evaluated 2018-01-12.

Conditions:
Auriculocondylar syndrome 2 (ARCND2A). Also called: AURICULOCONDYLAR SYNDROME 2A. Identifiers: Orphanet 137888, MedGen C3553404, MONDO:0013845, OMIM 614669.

Allele frequency attached by ClinVar (database versions not stated): gnomAD 0.00013; TOPMed 0.00024; 1000 Genomes Project 30x 0.00047; 1000 Genomes Project 0.00060.
gnomAD v4.1: 222 of 561,680 alleles (0.04%); highest among the groups gnomAD compares: Middle Eastern, 0.51%; no homozygotes.

Submissions (2):

Illumina Laboratory Services, Illumina
Classification: Benign for Auriculocondylar syndrome 2. Last evaluated: 2018-01-12. Review status: criteria provided, single submitter. Criteria: ICSL Variant Classification Criteria 13 December 2019. Collection method: clinical testing. Allele origin: germline.
Comment: This variant was observed in the ICSL laboratory as part of a predisposition screen in an ostensibly healthy population. It had not been previously curated by ICSL or reported in the Human Gene Mutation Database (HGMD: prior to June 1st, 2018), and was therefore a candidate for classification through an automated scoring system. Utilizing variant allele frequency, disease prevalence and penetrance estimates, and inheritance mode, an automated score was calculated to assess if this variant is too frequent to cause the disease. Based on the score and internal cut-off values, a variant classified as benign is not then subjected to further curation. The score for this variant resulted in a classification of benign for this disease.

Breakthrough Genomics
Classification: Benign. Review status: criteria provided, single submitter. Criteria: ACMG Guidelines, 2015. Collection method: not provided. Allele origin: germline. Inheritance: Autosomal dominant inheritance. Affected: yes.